The following is an entry in ClinVar:

ClinVar aggregate classification (germline): Pathogenic. Review status: criteria provided, multiple submitters, no conflicts (2 of 4 stars). 4 submissions from 4 submitters: Pathogenic (3). 1 of the submissions does not count toward it. Last evaluated 2025-10-16.

Conditions:
ABCA4-related disorder. Also called: ABCA4-related disorders; ABCA4-related condition. Identifiers: MedGen CN239167.
Retinitis pigmentosa (RP). Identifiers: Orphanet 791, MedGen C0035334, MeSH D012174, MONDO:0019200, OMIM 268000. Inheritance: Autosomal dominant, autosomal recessive and X linked inheritance.

Allele frequency attached by ClinVar (database versions not stated): ExAC 0.00001; gnomAD exomes 0.00001; TOPMed 0.00002.
gnomAD v4.1: 17 of 1,614,118 alleles (0.0011%); highest among the groups gnomAD compares: Non-Finnish European, 0.0014%; no homozygotes.

Submissions (4):

Labcorp Genetics (formerly Invitae), Labcorp
Classification: Pathogenic. Last evaluated: 2025-10-16. Review status: criteria provided, single submitter. Criteria: Invitae Variant Classification Sherloc (09022015). Collection method: clinical testing. Allele origin: germline.
Comment: This sequence change replaces phenylalanine, which is neutral and non-polar, with leucine, which is neutral and non-polar, at codon 873 of the ABCA4 protein (p.Phe873Leu). This variant is present in population databases (rs62642570, gnomAD 0.007%). This missense change has been observed in individuals with Stargardt disease or retinitis pigmentosa (PMID: 11328725, 25472526; internal data). ClinVar contains an entry for this variant (Variation ID: 99149). Invitae Evidence Modeling of protein sequence and biophysical properties (such as structural, functional, and spatial information, amino acid conservation, physicochemical variation, residue mobility, and thermodynamic stability) indicates that this missense variant is expected to disrupt ABCA4 protein function with a positive predictive value of 95%. For these reasons, this variant has been classified as Pathogenic.

Women's Health and Genetics/Laboratory Corporation of America, LabCorp
Classification: Pathogenic for Retinitis pigmentosa. Last evaluated: 2023-05-03. Review status: criteria provided, single submitter. Criteria: LabCorp Variant Classification Summary - May 2015. Collection method: clinical testing. Allele origin: germline.
Comment: Variant summary: ABCA4 c.2617T>C (p.Phe873Leu) results in a non-conservative amino acid change in the encoded protein sequence. Five of five in-silico tools predict a damaging effect of the variant on protein function. The variant allele was found at a frequency of 1.2e-05 in 251442 control chromosomes. c.2617T>C has been reported in the literature in individuals affected with Stargardt disease, retinitis pigmentosa or cone rod retinal dystrophy (e.g. Webster_2001, Zhao_2005, Zernant_2017, Hull_2020). These data indicate that the variant is likely to be associated with disease. To our knowledge, no experimental evidence demonstrating an impact on protein function has been reported. The following publications have been ascertained in the context of this evaluation (PMID: 11328725, 25472526, 28446513, 31964843, 32856788). One clinical diagnostic laboratory has submitted clinical-significance assessments for this variant to ClinVar after 2014, and classified the variant as pathogenic. Based on the evidence outlined above, the variant was classified as pathogenic.

Blueprint Genetics
Classification: Pathogenic for ABCA4-related disorders. Last evaluated: 2022-11-18. Review status: criteria provided, single submitter. Criteria: ACMG Guidelines, 2015. Collection method: clinical testing. Allele origin: germline. Affected: yes. Observed: 5 variant alleles.

Retina International
No classification provided. Review status: no classification provided. Collection method: not provided. Allele origin: not provided. Not counted in ClinVar's aggregate classification.

Literature cited by the submitters: PubMed 11328725 (cited by Labcorp Genetics (formerly Invitae), Labcorp and Women's Health and Genetics/Laboratory Corporation of America, LabCorp); PubMed 25472526 (cited by Labcorp Genetics (formerly Invitae), Labcorp and Women's Health and Genetics/Laboratory Corporation of America, LabCorp); PubMed 32856788 (cited by Women's Health and Genetics/Laboratory Corporation of America, LabCorp); PubMed 31964843 (cited by Women's Health and Genetics/Laboratory Corporation of America, LabCorp); PubMed 28446513 (cited by Women's Health and Genetics/Laboratory Corporation of America, LabCorp).

NM_000350.3(ABCA4):c.2617T>C (p.Phe873Leu)

Gene: ABCA4 (ATP binding cassette subfamily A member 4; minus strand). Cytogenetic location: 1p22.1.
Variant type: single nucleotide variant.
Coding change: c.2617T>C on transcript NM_000350.3 (MANE Select); coding-DNA position 2617, T replaced by C.
Protein change: p.Phe873Leu; replaces phenylalanine 873 with leucine.
Molecular consequence: missense variant.
Genome position (GRCh38, 1-based): chr1:94,051,669, A>G on the plus strand (T>C on the coding strand, the complement: ABCA4 is on the minus strand). VCF-style: chr1-94051669-A-G. GRCh37 (hg19) VCF-style: chr1-94517225-A-G.
Other names: c.2395T>C, p.Phe799Leu (NM_001425324.1); short protein forms F873L, F799L.
Identifiers: ClinVar variation 99149 (VCV000099149.12), dbSNP rs62642570, ClinGen allele CA227018.